The following is an entry in ClinVar:

NM_000256.3(MYBPC3):c.1457+20_1457+21delinsTT

Gene: MYBPC3 (myosin binding protein C3; minus strand). Cytogenetic location: 11p11.2.
Variant type: Indel.
Coding change: c.1457+20_1457+21delinsTT on transcript NM_000256.3 (MANE Select); bases 20 to 21 of the intron after coding-DNA position 1457, GG replaced by TT.
Molecular consequence: intron variant.
Genome position (GRCh38, 1-based): chr11:47,342,809-47,342,810, CC replaced by AA on the plus strand (GG replaced by TT on the coding strand, the reverse complement: MYBPC3 is on the minus strand). VCF-style: chr11-47342809-CC-AA. GRCh37 (hg19) VCF-style: chr11-47364360-CC-AA.
Identifiers: ClinVar variation 929059 (VCV000929059.6), dbSNP rs2095890222, ClinGen allele CA1139661932.

ClinVar aggregate classification (germline): Conflicting classifications of pathogenicity. Review status: criteria provided, conflicting classifications (1 of 4 stars). 2 submissions from 2 submitters: Uncertain significance (1); Benign (1). Last evaluated 2025-12-20.

Conditions:
Hypertrophic cardiomyopathy. Also called: HYPERTROPHIC MYOCARDIOPATHY. Identifiers: Orphanet 217569, MedGen C0007194, MeSH D002312, MONDO:0005045, HP:0001639.

Submissions (2):

Labcorp Genetics (formerly Invitae), Labcorp
Classification: Uncertain significance for Hypertrophic cardiomyopathy. Last evaluated: 2025-12-20. Review status: criteria provided, single submitter. Criteria: Invitae Variant Classification Sherloc (09022015). Collection method: clinical testing. Allele origin: germline.
Comment: This sequence change falls in intron 16 of the MYBPC3 gene. It does not directly change the encoded amino acid sequence of the MYBPC3 protein. Information on the frequency of this variant in the gnomAD database is not available, as this variant may be reported differently in the database. This variant has not been reported in the literature in individuals affected with MYBPC3-related conditions. ClinVar contains an entry for this variant (Variation ID: 929059). In summary, the available evidence is currently insufficient to determine the role of this variant in disease. Therefore, it has been classified as a Variant of Uncertain Significance.

Women's Health and Genetics/Laboratory Corporation of America, LabCorp
Classification: Benign. Last evaluated: 2019-08-26. Review status: criteria provided, single submitter. Criteria: LabCorp Variant Classification Summary - May 2015. Collection method: clinical testing. Allele origin: germline.
Comment: Variant summary: MYBPC3 c.1457+20_1457+21delinsTT alters a nucleotide located close to a canonical splice site and therefore could affect mRNA splicing, leading to a significantly altered protein sequence. The variant allele was found at a frequency of 0.0016 in 278576 control chromosomes in the gnomAD database, including 3 homozygotes. The observed variant frequency is approximately 1.5 fold of the estimated maximal expected allele frequency for a pathogenic variant in MYBPC3 causing Cardiomyopathy phenotype (0.001), strongly suggesting that the variant is benign. To our knowledge, no occurrence of c.1457+20_1457+21delinsTT in individuals affected with Cardiomyopathy and no experimental evidence demonstrating its impact on protein function have been reported. No clinical diagnostic laboratories have submitted clinical-significance assessments for this variant to ClinVar after 2014. Based on the evidence outlined above, the variant was classified as benign.